The following is an entry in ClinVar:

GRCh38/hg38 17p11.2-11.1(chr17:22159041-22726994)x1

Genes: FAM27E5 (family with sequence similarity E5; plus strand), FLJ36000 (uncharacterized FLJ36000; plus strand), LINC02002 (long intergenic non-protein coding RNA 2002; minus strand), MTRNR2L1 (MT-RNR2 like 1; plus strand), LOC105371597 (uncharacterized LOC105371597; plus strand) and 1 more. Cytogenetic location: 17p11.2-11.1.
Variant type: copy number loss.
Change: copy number 1 (one copy instead of two) of chr17:22,159,041-22,726,994 (568.0 kb, GRCh38 coordinates, 1-based), cytogenetic band 17p11.2-11.1.
Identifiers: ClinVar variation 148602 (VCV000148602.2).

ClinVar aggregate classification (germline): conflicting data from submitters (0 of 4 stars; one submission).

Submission:

ISCA site 1
Classification: conflicting data from submitters. Last evaluated: 2013-04-04. Review status: no assertion criteria provided. Collection method: clinical testing. Allele origin: unknown, maternal. Affected: yes. Observed: 4 variant alleles. Clinical features observed: Short stature (HP:0004322), Muscular hypotonia (HP:0001252), Global developmental delay (HP:0001263), Delayed speech and language development (HP:0000750), Specific learning disability (HP:0001328), Failure to thrive (HP:0001508), Intrauterine growth retardation (HP:0001511), Premature birth (HP:0001622), Ventricular septal defect (HP:0001629), Delayed gross motor development (HP:0002194), Delayed fine motor development (HP:0010862), Microcephaly (HP:0000252), and 1 more.
Comment: Uncertain significance(1), Likely benign (3)

Copy number variation identified through the course of routine clinical cytogenomic testing in postnatal populations, with clinical assertions as classified by the original submitter. For data from the original published study, Kaminsky, et al. 2011 (PubMed 21844811), please see nstd101.